The following is an entry in ClinVar:

ClinVar aggregate classification (germline): Uncertain significance (1 of 4 stars; one submission).

gnomAD v4.1: 1 of 1,175,124 alleles (0.000085%); highest among the groups gnomAD compares: Non-Finnish European, 0.00011%; no homozygotes.

Submission:

GeneDx
Classification: Uncertain significance. Last evaluated: 2024-07-05. Review status: criteria provided, single submitter. Criteria: GeneDx Variant Classification Process June 2021. Collection method: clinical testing. Allele origin: germline. Affected: yes.
Comment: Not observed at significant frequency in large population cohorts (gnomAD); In silico analysis supports that this missense variant has a deleterious effect on protein structure/function; Has not been previously published as pathogenic or benign to our knowledge

NM_005334.3(HCFC1):c.350G>A (p.Arg117Gln)

Gene: HCFC1 (host cell factor C1; minus strand). Cytogenetic location: Xq28.
Variant type: single nucleotide variant.
Coding change: c.350G>A on transcript NM_005334.3 (MANE Select); coding-DNA position 350, G replaced by A.
Protein change: p.Arg117Gln; replaces arginine 117 with glutamine.
Molecular consequence: missense variant.
Genome position (GRCh38, 1-based): chrX:153,964,277, C>T on the plus strand (G>A on the coding strand, the complement: HCFC1 is on the minus strand). VCF-style: chrX-153964277-C-T. GRCh37 (hg19) VCF-style: chrX-153229728-C-T.
Other names: c.350G>A, p.Arg117Gln (NM_001410705.1); short protein forms R117Q.
Identifiers: ClinVar variation 3393720 (VCV003393720.1).